The following is an entry in ClinVar:

ClinVar aggregate classification (germline): Uncertain significance. Review status: criteria provided, multiple submitters, no conflicts (2 of 4 stars). 3 submissions from 3 submitters: Uncertain significance (2). 1 of the submissions does not count toward it. Last evaluated 2024-05-02.

Conditions:
Cardiovascular phenotype. Identifiers: MedGen CN230736.
Glycogen storage disease, type II (IOPD). Also called: Glucosidase acid-1,4-alpha deficiency; POMPE DISEASE, INFANTILE-ONSET; GLYCOGEN STORAGE DISEASE II, INFANTILE-ONSET; ACID ALPHA-GLUCOSIDASE DEFICIENCY, INFANTILE-ONSET; GAA DEFICIENCY, INFANTILE-ONSET; ACID MALTASE DEFICIENCY, INFANTILE-ONSET. Identifiers: Orphanet 365, MedGen C0017921, MONDO:0009290, OMIM 232300.

Allele frequency attached by ClinVar (database versions not stated): TOPMed 0.00002.

Submissions (3):

Ambry Genetics
Classification: Uncertain significance for Cardiovascular phenotype. Last evaluated: 2024-05-02. Review status: criteria provided, single submitter. Criteria: Ambry Variant Classification Scheme 2023. Collection method: clinical testing. Allele origin: germline.
Comment: The p.L26R variant (also known as c.77T>G), located in coding exon 1 of the GAA gene, results from a T to G substitution at nucleotide position 77. The leucine at codon 26 is replaced by arginine, an amino acid with dissimilar properties. This amino acid position is conserved. In addition, the in silico prediction for this alteration is inconclusive. Based on the available evidence, the clinical significance of this variant remains unclear.

Labcorp Genetics (formerly Invitae), Labcorp
Classification: Uncertain significance for Glycogen storage disease, type II. Last evaluated: 2022-02-19. Review status: criteria provided, single submitter. Criteria: Invitae Variant Classification Sherloc (09022015). Collection method: clinical testing. Allele origin: germline.
Comment: This sequence change replaces leucine, which is neutral and non-polar, with arginine, which is basic and polar, at codon 26 of the GAA protein (p.Leu26Arg). This variant is not present in population databases (gnomAD no frequency). This variant has not been reported in the literature in individuals affected with GAA-related conditions. ClinVar contains an entry for this variant (Variation ID: 570091). Advanced modeling of protein sequence and biophysical properties (such as structural, functional, and spatial information, amino acid conservation, physicochemical variation, residue mobility, and thermodynamic stability) performed at Invitae indicates that this missense variant is not expected to disrupt GAA protein function. In summary, the available evidence is currently insufficient to determine the role of this variant in disease. Therefore, it has been classified as a Variant of Uncertain Significance.

Natera, Inc.
Classification: Uncertain significance for Glycogen storage disease type II. Last evaluated: 2021-09-22. Review status: no assertion criteria provided. Collection method: clinical testing. Allele origin: germline. Not counted in ClinVar's aggregate classification.

NM_000152.5(GAA):c.77T>G (p.Leu26Arg)

Gene: GAA (alpha glucosidase; plus strand). Cytogenetic location: 17q25.3.
Variant type: single nucleotide variant.
Coding change: c.77T>G on transcript NM_000152.5 (MANE Select); coding-DNA position 77, T replaced by G.
Protein change: p.Leu26Arg; replaces leucine 26 with arginine.
Molecular consequence: missense variant.
Genome position (GRCh38, 1-based): chr17:80,104,663, T>G. VCF-style: chr17-80104663-T-G. GRCh37 (hg19) VCF-style: chr17-78078462-T-G.
Other names: c.77T>G (LRG_673t1); c.77T>G, p.Leu26Arg (NM_001079803.3, NM_001079804.3); short protein forms L26R.
Identifiers: ClinVar variation 570091 (VCV000570091.11), dbSNP rs1385098269, ClinGen allele CA401360183.
Genomic context (GRCh38, chr17:80,104,663, plus strand): 5'-CGCCCTGCTCCCACCGGCTCCTGGCCGTCTGCGCCCTCGTGTCCTTGGCAACCGCTGCAC[T>G]CCTGGGGCACATCCTACTCCATGATTTCCTGCTGGTTCCCCGAGAGCTGAGTGGCTCCTC-3'
Protein context (NP_000143.2, residues 16-36): CALVSLATAA[Leu26Arg]LGHILLHDFL